The following is an entry in ClinVar:

ClinVar aggregate classification (germline): Uncertain significance (1 of 4 stars; one submission).

Submission:

Labcorp Genetics (formerly Invitae), Labcorp
Classification: Uncertain significance. Last evaluated: 2025-08-13. Review status: criteria provided, single submitter. Criteria: Invitae Variant Classification Sherloc (09022015). Collection method: clinical testing. Allele origin: germline.
Comment: This sequence change replaces glycine, which is neutral and non-polar, with serine, which is neutral and polar, at codon 652 of the COL11A1 protein (p.Gly652Ser). This variant is not present in population databases (gnomAD no frequency). This variant has not been reported in the literature in individuals affected with COL11A1-related conditions. Invitae Evidence Modeling of protein sequence and biophysical properties (such as structural, functional, and spatial information, amino acid conservation, physicochemical variation, residue mobility, and thermodynamic stability) indicates that this missense variant is expected to disrupt COL11A1 protein function with a positive predictive value of 80%. In summary, the available evidence is currently insufficient to determine the role of this variant in disease. Therefore, it has been classified as a Variant of Uncertain Significance.

NM_001854.4(COL11A1):c.1954G>A (p.Gly652Ser)

Gene: COL11A1 (collagen type XI alpha 1 chain; minus strand). Cytogenetic location: 1p21.1.
Variant type: single nucleotide variant.
Coding change: c.1954G>A on transcript NM_001854.4 (MANE Select); coding-DNA position 1954, G replaced by A.
Protein change: p.Gly652Ser; replaces glycine 652 with serine.
Molecular consequence: missense variant. On other transcripts: non-coding transcript variant (1).
Genome position (GRCh38, 1-based): chr1:103,003,259, C>T on the plus strand (G>A on the coding strand, the complement: COL11A1 is on the minus strand). VCF-style: chr1-103003259-C-T. GRCh37 (hg19) VCF-style: chr1-103468815-C-T.
Other names: c.1837G>A, p.Gly613Ser (NM_001190709.2); c.1990G>A, p.Gly664Ser (NM_080629.3); c.1606G>A, p.Gly536Ser (NM_080630.4); short protein forms G664S, G536S, G613S, G652S.
Identifiers: ClinVar variation 4742254 (VCV004742254.1).
Genomic context (GRCh38, chr1:103,003,259, plus strand): 5'-TTCCAGCAATACATACAGGCTGCCCTGGAGCTCCTGGAGTTCCCCTTGGACCCAGCAAAC[C>T]TCGTGGGCCCTAGGAGAAAAAGAAAAAGCACGCCTTTATTAAAAAAAAAAAATGTCCTAA-3'
Protein context (NP_001845.3, residues 642-662): RGLPGEAGPR[Gly652Ser]LLGPRGTPGA